The following is an entry in ClinVar:

NM_002480.3(PPP1R12A):c.1450_1453del (p.Glu484fs)

Gene: PPP1R12A (protein phosphatase 1 regulatory subunit 12A; minus strand). Cytogenetic location: 12q21.2.
Variant type: Deletion.
Coding change: c.1450_1453del on transcript NM_002480.3 (MANE Select); coding-DNA positions 1450 to 1453, 4 bases deleted (GAAA; older notation c.1450_1453delGAAA).
Protein change: p.Glu484fs; shifts the reading frame from glutamic acid 484.
Molecular consequence: frameshift variant.
Genome position (GRCh38, 1-based): chr12:79,809,797-79,809,800, TTTC deleted on the plus strand (GAAA on the coding strand, the reverse complement: PPP1R12A is on the minus strand); deleting any 4 consecutive bases within chr12:79,809,797-79,809,803 gives the same sequence; the c. name uses the placement nearest the transcript's 3' end. VCF-style (leftmost placement, unchanged base first): chr12-79809796-TTTTC-T. GRCh37 (hg19) VCF-style: chr12-80203576-TTTTC-T.
Other names: c.1450_1453del, p.Glu484fs (NM_001143885.2, NM_001244990.2, NM_001244992.1); c.1189_1192del, p.Glu397fs (NM_001143886.2); short protein forms E397fs, E484fs.
Identifiers: ClinVar variation 4862452 (VCV004862452.1).

ClinVar aggregate classification (germline): Pathogenic (1 of 4 stars; one submission).

Conditions:
Inborn genetic diseases. Identifiers: MedGen C0950123, MeSH D030342.

Submission:

Ambry Genetics
Classification: Pathogenic for Inborn genetic diseases. Last evaluated: 2026-04-15. Review status: criteria provided, single submitter. Criteria: Ambry Variant Classification Scheme 2023. Collection method: clinical testing. Allele origin: germline.
Comment: The c.1450_1453delGAAA (p.E484Rfs*21) alteration, located in exon 10 (coding exon 10) of the PPP1R12A gene, consists of a deletion of 4 nucleotides from position 1450 to 1453, causing a translational frameshift with a predicted alternate stop codon after 21 amino acids. This variant is expected to result in loss of function by premature protein truncation or nonsense-mediated mRNA decay. This variant was not reported in population-based cohorts in the Genome Aggregation Database (gnomAD). Based on the available evidence, this alteration is classified as pathogenic.